The following is an entry in ClinVar:

NM_012431.3(SEMA3E):c.266G>A (p.Gly89Asp)

Gene: SEMA3E (semaphorin 3E; minus strand). Cytogenetic location: 7q21.11.
Variant type: single nucleotide variant.
Coding change: c.266G>A on transcript NM_012431.3 (MANE Select); coding-DNA position 266, G replaced by A.
Protein change: p.Gly89Asp; replaces glycine 89 with aspartic acid.
Molecular consequence: missense variant.
Genome position (GRCh38, 1-based): chr7:83,490,124, C>T on the plus strand (G>A on the coding strand, the complement: SEMA3E is on the minus strand). VCF-style: chr7-83490124-C-T. GRCh37 (hg19) VCF-style: chr7-83119440-C-T.
Other names: c.266G>A (NM_012431.2); c.86G>A, p.Gly29Asp (NM_001178129.2); short protein forms G29D, G89D.
Identifiers: ClinVar variation 1415402 (VCV001415402.10), dbSNP rs773688938, ClinGen allele CA4322410.

ClinVar aggregate classification (germline): Uncertain significance. Review status: criteria provided, multiple submitters, no conflicts (2 of 4 stars). 4 submissions from 4 submitters: Uncertain significance (3). 1 of the submissions does not count toward it. Last evaluated 2026-01-22.

Conditions:
Hypogonadotropic hypogonadism 7 with or without anosmia (HH7). Also called: GNRHR-Related GnRH Deficiency; HYPOGONADOTROPIC HYPOGONADISM 7 WITHOUT ANOSMIA. Identifiers: Orphanet 432, MedGen C0342384, MONDO:0007794, OMIM 146110.
CHARGE syndrome (CHARGE). Also called: Hittner Hirsch Kreh syndrome; CHARGE ASSOCIATION--COLOBOMA, HEART ANOMALY, CHOANAL ATRESIA, RETARDATION, GENITAL AND EAR ANOMALIES; Coloboma, heart anomaly, choanal atresia, retardation, genital and ear anomalies; CHARGE association; Hall-Hittner syndrome. Identifiers: Orphanet 138, MedGen C0265354, MONDO:0008965.
SEMA3E-related disorder. Also called: SEMA3E-related condition.

Allele frequency attached by ClinVar (database versions not stated): gnomAD 0.00002; TOPMed 0.00005; ExAC 0.00007.
gnomAD v4.1: 36 of 1,612,568 alleles (0.0022%); highest among the groups gnomAD compares: Admixed American, 0.06%; no homozygotes.

Submissions (4):

Labcorp Genetics (formerly Invitae), Labcorp
Classification: Uncertain significance for CHARGE syndrome. Last evaluated: 2026-01-22. Review status: criteria provided, single submitter. Criteria: Invitae Variant Classification Sherloc (09022015). Collection method: clinical testing. Allele origin: germline.
Comment: This sequence change replaces glycine, which is neutral and non-polar, with aspartic acid, which is acidic and polar, at codon 89 of the SEMA3E protein (p.Gly89Asp). This variant is present in population databases (rs773688938, gnomAD 0.09%), and has an allele count higher than expected for a pathogenic variant. This variant has not been reported in the literature in individuals affected with SEMA3E-related conditions. ClinVar contains an entry for this variant (Variation ID: 1415402). Invitae Evidence Modeling of protein sequence and biophysical properties (such as structural, functional, and spatial information, amino acid conservation, physicochemical variation, residue mobility, and thermodynamic stability) indicates that this missense variant is not expected to disrupt SEMA3E protein function with a negative predictive value of 80%. In summary, the available evidence is currently insufficient to determine the role of this variant in disease. Therefore, it has been classified as a Variant of Uncertain Significance.

Ambry Genetics
Classification: Uncertain significance. Last evaluated: 2024-03-12. Review status: criteria provided, single submitter. Criteria: Ambry Variant Classification Scheme 2023. Collection method: clinical testing. Allele origin: germline.

Fulgent Genetics
Classification: Uncertain significance for Hypogonadotropic hypogonadism 7 with or without anosmia; CHD7-related CHARGE syndrome. Last evaluated: 2021-08-27. Review status: criteria provided, single submitter. Criteria: ACMG Guidelines, 2015. Collection method: clinical testing. Allele origin: unknown.

PreventionGenetics, part of Exact Sciences
Classification: Likely benign for SEMA3E-related condition. Last evaluated: 2022-03-14. Review status: no assertion criteria provided. Collection method: clinical testing. Allele origin: germline. Not counted in ClinVar's aggregate classification.
Comment: This variant is classified as likely benign based on ACMG/AMP sequence variant interpretation guidelines (Richards et al. 2015 PMID: 25741868, with internal and published modifications).